The following is an entry in ClinVar:

NM_177438.3(DICER1):c.3713T>C (p.Leu1238Pro)

Gene: DICER1 (dicer 1, ribonuclease III; minus strand). Cytogenetic location: 14q32.13.
Variant type: single nucleotide variant.
Coding change: c.3713T>C on transcript NM_177438.3 (MANE Select); coding-DNA position 3713, T replaced by C.
Protein change: p.Leu1238Pro; replaces leucine 1238 with proline.
Molecular consequence: missense variant.
Genome position (GRCh38, 1-based): chr14:95,103,683, A>G on the plus strand (T>C on the coding strand, the complement: DICER1 is on the minus strand). VCF-style: chr14-95103683-A-G. GRCh37 (hg19) VCF-style: chr14-95570020-A-G.
Other names: c.3713T>C, p.Leu1238Pro (NM_001195573.1, NM_001271282.3, NM_001291628.2 and 1 more transcripts); short protein forms L1238P.
Identifiers: ClinVar variation 412075 (VCV000412075.26), dbSNP rs1060503603, ClinGen allele CA16614641.

ClinVar aggregate classification (germline): Uncertain significance. Review status: criteria provided, multiple submitters, no conflicts (2 of 4 stars). 5 submissions from 5 submitters: Uncertain significance (4). 1 of the submissions does not count toward it. Last evaluated 2025-12-24.

Conditions:
High-grade astrocytoma with piloid features. Identifiers: MedGen C5670122, MONDO:0858958.
Childhood kidney cell carcinoma. Identifiers: MedGen C1333001, MONDO:0003007.
Global developmental delay - lung cysts - overgrowth - Wilms tumor syndrome. Also called: GLOW Syndrome; GLOBAL DEVELOPMENTAL DELAY, LUNG CYSTS, OVERGROWTH, AND WILMS TUMOR. Identifiers: Orphanet 404476, MedGen C4748924, MONDO:0018445, OMIM 618272.
Hereditary cancer-predisposing syndrome. Also called: Hereditary neoplastic syndrome; Neoplastic Syndromes, Hereditary; Hereditary Cancer Syndrome; Tumor predisposition. Identifiers: Orphanet 140162, MedGen C0027672, MeSH D009386, MONDO:0015356.
DICER1-related tumor predisposition. Also called: DICER1 syndrome; DICER1-related pleuropulmonary blastoma cancer predisposition syndrome. Identifiers: Orphanet 284343, MedGen C3839822, MONDO:0100216.

Allele frequency attached by ClinVar (database versions not stated): gnomAD exomes below 0.00001.

Submissions (5):

Labcorp Genetics (formerly Invitae), Labcorp
Classification: Uncertain significance for DICER1-related tumor predisposition. Last evaluated: 2025-12-24. Review status: criteria provided, single submitter. Criteria: Invitae Variant Classification Sherloc (09022015). Collection method: clinical testing. Allele origin: germline.
Comment: This sequence change replaces leucine, which is neutral and non-polar, with proline, which is neutral and non-polar, at codon 1238 of the DICER1 protein (p.Leu1238Pro). This variant is not present in population databases (gnomAD no frequency). This variant has not been reported in the literature in individuals affected with DICER1-related conditions. ClinVar contains an entry for this variant (Variation ID: 412075). Invitae Evidence Modeling of protein sequence and biophysical properties (such as structural, functional, and spatial information, amino acid conservation, physicochemical variation, residue mobility, and thermodynamic stability) indicates that this missense variant is not expected to disrupt DICER1 protein function with a negative predictive value of 95%. In summary, the available evidence is currently insufficient to determine the role of this variant in disease. Therefore, it has been classified as a Variant of Uncertain Significance.

Ambry Genetics
Classification: Uncertain significance for Hereditary cancer-predisposing syndrome. Last evaluated: 2025-07-28. Review status: criteria provided, single submitter. Criteria: Ambry Variant Classification Scheme 2023. Collection method: clinical testing. Allele origin: germline.
Comment: The p.L1238P variant (also known as c.3713T>C), located in coding exon 20 of the DICER1 gene, results from a T to C substitution at nucleotide position 3713. The leucine at codon 1238 is replaced by proline, an amino acid with similar properties. This amino acid position is not well conserved in available vertebrate species. In addition, this alteration is predicted to be tolerated by in silico analysis. Since supporting evidence is limited at this time, the clinical significance of this alteration remains unclear.

GeneDx
Classification: Uncertain significance. Last evaluated: 2025-03-31. Review status: criteria provided, single submitter. Criteria: GeneDx Variant Classification Process June 2021. Collection method: clinical testing. Allele origin: germline.
Comment: Not observed at significant frequency in large population cohorts (gnomAD); In silico analysis indicates that this missense variant does not alter protein structure/function; Has not been previously published as pathogenic or benign to our knowledge

Baylor Genetics
Classification: Uncertain significance for Global developmental delay - lung cysts - overgrowth - Wilms tumor syndrome. Last evaluated: 2024-03-22. Review status: criteria provided, single submitter. Criteria: ACMG Guidelines, 2015. Collection method: clinical testing. Allele origin: unknown.

Laboratory of Medical Genetics Unit, Bambino Gesù Children's Hospital
Classification: Uncertain significance for High-grade astrocytoma with piloid features; Childhood kidney cell carcinoma. Review status: no assertion criteria provided. Criteria: ACMG Guidelines, 2015. Collection method: research. Allele origin: germline. Affected: yes. Not counted in ClinVar's aggregate classification.